The following is an entry in ClinVar:

ClinVar aggregate classification (germline): Conflicting classifications of pathogenicity. Review status: criteria provided, conflicting classifications (1 of 4 stars). 2 submissions from 2 submitters: Uncertain significance (1); Likely benign (1). Last evaluated 2023-02-23.

Conditions:
Primary ciliary dyskinesia. Also called: Ciliary dyskinesia. Identifiers: Orphanet 244, MedGen C0008780, MONDO:0016575, HP:0012265.

Allele frequency attached by ClinVar (database versions not stated): TOPMed 0.00002.
gnomAD v4.1: 7 of 1,614,062 alleles (0.00043%); highest among the groups gnomAD compares: Admixed American, 0.0033%; no homozygotes.

Submissions (2):

Ambry Genetics
Classification: Uncertain significance for Primary ciliary dyskinesia. Last evaluated: 2023-02-23. Review status: criteria provided, single submitter. Criteria: Ambry Variant Classification Scheme 2023. Collection method: clinical testing. Allele origin: germline.
Comment: The p.I4418V variant (also known as c.13252A>G), located in coding exon 76 of the DNAH5 gene, results from an A to G substitution at nucleotide position 13252. The isoleucine at codon 4418 is replaced by valine, an amino acid with highly similar properties. This amino acid position is conserved. In addition, this alteration is predicted to be tolerated by in silico analysis. Since supporting evidence is limited at this time, the clinical significance of this alteration remains unclear.

Blueprint Genetics
Classification: Likely benign. Last evaluated: 2022-10-21. Review status: criteria provided, single submitter. Criteria: ACMG Guidelines, 2015. Collection method: clinical testing. Allele origin: germline.

NM_001369.3(DNAH5):c.13252A>G (p.Ile4418Val)

Gene: DNAH5 (dynein axonemal heavy chain 5; minus strand). Cytogenetic location: 5p15.2.
Variant type: single nucleotide variant.
Coding change: c.13252A>G on transcript NM_001369.3 (MANE Select); coding-DNA position 13252, A replaced by G.
Protein change: p.Ile4418Val; replaces isoleucine 4418 with valine.
Molecular consequence: missense variant.
Genome position (GRCh38, 1-based): chr5:13,708,209, T>C on the plus strand (A>G on the coding strand, the complement: DNAH5 is on the minus strand). VCF-style: chr5-13708209-T-C. GRCh37 (hg19) VCF-style: chr5-13708318-T-C.
Other names: short protein forms I4418V.
Identifiers: ClinVar variation 2451391 (VCV002451391.3), dbSNP rs759339347, ClinGen allele CA3201414.